The following is an entry in ClinVar:

NM_000138.5(FBN1):c.6809G>A (p.Gly2270Asp)

Gene: FBN1 (fibrillin 1; minus strand). Cytogenetic location: 15q21.1.
Variant type: single nucleotide variant.
Coding change: c.6809G>A on transcript NM_000138.5 (MANE Select); coding-DNA position 6809, G replaced by A.
Protein change: p.Gly2270Asp; replaces glycine 2270 with aspartic acid.
Molecular consequence: missense variant.
Genome position (GRCh38, 1-based): chr15:48,430,733, C>T on the plus strand (G>A on the coding strand, the complement: FBN1 is on the minus strand). VCF-style: chr15-48430733-C-T. GRCh37 (hg19) VCF-style: chr15-48722930-C-T.
Other names: short protein forms G2270D.
Identifiers: ClinVar variation 632820 (VCV000632820.6), dbSNP rs1566894274, ClinGen allele CA392332350.

ClinVar aggregate classification (germline): Uncertain significance. Review status: criteria provided, multiple submitters, no conflicts (2 of 4 stars). 2 submissions from 2 submitters: Uncertain significance (2). Last evaluated 2023-01-23.

Conditions:
Familial thoracic aortic aneurysm and aortic dissection (TAAD). Also called: Thoracic aortic aneurysms and dissections. Identifiers: Orphanet 91387, MedGen C4707243, MONDO:0019625.

Submissions (2):

Women's Health and Genetics/Laboratory Corporation of America, LabCorp
Classification: Uncertain significance. Last evaluated: 2023-01-23. Review status: criteria provided, single submitter. Criteria: LabCorp Variant Classification Summary - May 2015. Collection method: clinical testing. Allele origin: germline.
Comment: Variant summary: FBN1 c.6809G>A (p.Gly2270Asp) results in a non-conservative amino acid change located in the EGF-like domain (IPR000742) of the encoded protein sequence. Five of five in-silico tools predict a damaging effect of the variant on protein function. The variant was absent in 251270 control chromosomes (gnomAD). The available data on variant occurrences in the general population are insufficient to allow any conclusion about variant significance. c.6809G>A has been reported in one patient in the literature, without strong evidence for causality (Howarth_2007). These report(s) do not provide unequivocal conclusions about association of the variant with Marfan Syndrome. To our knowledge, no experimental evidence demonstrating an impact on protein function has been reported. One clinical diagnostic laboratory has submitted clinical-significance assessments for this variant to ClinVar after 2014 and classified the variant as uncertain significance. Based on the evidence outlined above, the variant was classified as uncertain significance.

Ambry Genetics
Classification: Uncertain significance for Familial thoracic aortic aneurysm and aortic dissection. Last evaluated: 2019-08-16. Review status: criteria provided, single submitter. Criteria: Ambry Variant Classification Scheme 2023. Collection method: clinical testing. Allele origin: germline.
Comment: The p.G2270D variant (also known as c.6809G>A), located in coding exon 55 of the FBN1 gene, results from a G to A substitution at nucleotide position 6809. The glycine at codon 2270 is replaced by aspartic acid, an amino acid with similar properties, and is located in the cbEGF-like #35 domain. This variant was reported in a cohort of individuals with Marfan syndrome or Marfan-like findings; however, specific clinical details were not provided (Howarth R et al. Genet. Test., 2007;11:146-52). This amino acid position is highly conserved in available vertebrate species. In addition, this alteration is predicted to be deleterious by in silico analysis. Since supporting evidence is limited at this time, the clinical significance of this alteration remains unclear.

Literature cited by the submitters: PubMed 17627385 (cited by Women's Health and Genetics/Laboratory Corporation of America, LabCorp and Ambry Genetics); PubMed 24941995 (cited by Women's Health and Genetics/Laboratory Corporation of America, LabCorp).